The following is an entry in ClinVar:

NM_001009944.3(PKD1):c.722C>G (p.Ser241Cys)

Gene: PKD1 (polycystin 1, transient receptor potential channel interacting; minus strand). Cytogenetic location: 16p13.3.
Variant type: single nucleotide variant.
Coding change: c.722C>G on transcript NM_001009944.3 (MANE Select); coding-DNA position 722, C replaced by G.
Protein change: p.Ser241Cys; replaces serine 241 with cysteine.
Molecular consequence: missense variant.
Genome position (GRCh38, 1-based): chr16:2,118,270, G>C on the plus strand (C>G on the coding strand, the complement: PKD1 is on the minus strand). VCF-style: chr16-2118270-G-C. GRCh37 (hg19) VCF-style: chr16-2168271-G-C.
Other names: c.722C>G, p.Ser241Cys (NM_000296.4); short protein forms S241C.
Identifiers: ClinVar variation 5005541 (VCV005005541.2).
Genomic context (GRCh38, chr16:2,118,270, plus strand): 5'-CCCCTACAGGTGGGGGCAGGAGGTGGCGGGGGGCCGGAGCAGAGGGACAGGCAGGCAAAG[G>C]AGGCACTGGAGGGCTGGGCCGCCCCACACAGGCACCAGCCCTGCTCCGAGAGGGCTGCGA-3'
Protein context (NP_001009944.3, residues 231-251): LCGAAQPSSA[Ser241Cys]FACLSLCSGP

ClinVar aggregate classification (germline): Uncertain significance (1 of 4 stars; one submission).

Conditions:
Polycystic kidney disease, adult type (PKD1). Also called: POLYCYSTIC KIDNEY DISEASE, ADULT, TYPE I; Polycystic Kidney, Autosomal Dominant; Polycystic Kidney Disease 1, Autosomal Dominant; Polycystic kidney disease 1; Polycystic kidney disease 1, severe; POLYCYSTIC KIDNEY DISEASE 1 WITH OR WITHOUT POLYCYSTIC LIVER DISEASE. Identifiers: MedGen C3149841, MONDO:0008263, OMIM 173900.

Submission:

Juno Genomics, Hangzhou Juno Genomics, Inc
Classification: Uncertain significance for Polycystic kidney disease, adult type. Review status: criteria provided, single submitter. Criteria: ACMG Guidelines, 2015. Collection method: clinical testing. Allele origin: germline.
Comment: Absent from controls (or at extremely low frequency if recessive) in Genome Aggregation Database.